The following is an entry in ClinVar:

ClinVar aggregate classification (germline): Uncertain significance. Review status: criteria provided, multiple submitters, no conflicts (2 of 4 stars). 2 submissions from 2 submitters: Uncertain significance (2). Last evaluated 2025-07-07.

Conditions:
Heterotopia, periventricular, X-linked dominant (PVNH1). Also called: PERIVENTRICULAR NODULAR HETEROTOPIA 1; X-linked periventricular heterotopia; PERIVENTRICULAR NODULAR HETEROTOPIA 4; HETEROTOPIA, PERIVENTRICULAR, 1. Identifiers: Orphanet 2149, Orphanet 82004, MedGen C1848213, MONDO:0010233, OMIM 300049.
Oto-palato-digital syndrome, type II (OPD2). Also called: FACIOPALATOOSSEOUS SYNDROME; OPD II SYNDROME; Otopalatodigital Syndrome Type 2 (FLNA-OPD2); Otopalatodigital Syndrome, Type II. Identifiers: Orphanet 669, Orphanet 90652, MedGen C1844696, MONDO:0010571, OMIM 304120.
Frontometaphyseal dysplasia (FMD1). Identifiers: Orphanet 1826, MedGen C0265293, MONDO:0015942.
Melnick-Needles syndrome (MNS). Also called: MELNICK-NEEDLES OSTEODYSPLASTY; OSTEODYSPLASTY OF MELNICK AND NEEDLES; Melnick-Needles Syndrome (FLNA-MNS). Identifiers: Orphanet 2484, MedGen C0025237, MONDO:0010650, OMIM 309350.

Allele frequency attached by ClinVar (database versions not stated): gnomAD exomes below 0.00001.
gnomAD v4.1: 2 of 1,211,122 alleles (0.00017%); highest among the groups gnomAD compares: East Asian, 0.0059%; no homozygotes.

Submissions (2):

Labcorp Genetics (formerly Invitae), Labcorp
Classification: Uncertain significance for Oto-palato-digital syndrome, type II; Heterotopia, periventricular, X-linked dominant; Frontometaphyseal dysplasia; Melnick-Needles syndrome. Last evaluated: 2025-07-07. Review status: criteria provided, single submitter. Criteria: Invitae Variant Classification Sherloc (09022015). Collection method: clinical testing. Allele origin: germline.
Comment: This sequence change replaces proline, which is neutral and non-polar, with leucine, which is neutral and non-polar, at codon 2028 of the FLNA protein (p.Pro2028Leu). This variant is not present in population databases (gnomAD no frequency). This variant has not been reported in the literature in individuals affected with FLNA-related conditions. ClinVar contains an entry for this variant (Variation ID: 465007). Invitae Evidence Modeling of protein sequence and biophysical properties (such as structural, functional, and spatial information, amino acid conservation, physicochemical variation, residue mobility, and thermodynamic stability) indicates that this missense variant is not expected to disrupt FLNA protein function with a negative predictive value of 95%. In summary, the available evidence is currently insufficient to determine the role of this variant in disease. Therefore, it has been classified as a Variant of Uncertain Significance.

GeneDx
Classification: Uncertain significance. Last evaluated: 2022-12-04. Review status: criteria provided, single submitter. Criteria: GeneDx Variant Classification Process June 2021. Collection method: clinical testing. Allele origin: germline. Affected: yes.
Comment: Not observed at significant frequency in large population cohorts (gnomAD); In silico analysis supports that this missense variant does not alter protein structure/function; Has not been previously published as pathogenic or benign to our knowledge

NM_001110556.2(FLNA):c.6107C>T (p.Pro2036Leu)

Gene: FLNA (filamin A; minus strand). Cytogenetic location: Xq28.
Variant type: single nucleotide variant.
Coding change: c.6107C>T on transcript NM_001110556.2 (MANE Select); coding-DNA position 6107, C replaced by T.
Protein change: p.Pro2036Leu; replaces proline 2036 with leucine.
Molecular consequence: missense variant.
Genome position (GRCh38, 1-based): chrX:154,353,120, G>A on the plus strand (C>T on the coding strand, the complement: FLNA is on the minus strand). VCF-style: chrX-154353120-G-A. GRCh37 (hg19) VCF-style: chrX-153581488-G-A.
Other names: c.6083C>T, p.Pro2028Leu (NM_001456.4); short protein forms P2028L, P2036L.
Identifiers: ClinVar variation 465007 (VCV000465007.10), dbSNP rs1557176131, ClinGen allele CA415196051.